The following is an entry in ClinVar:

ClinVar aggregate classification (germline): Conflicting classifications of pathogenicity. Review status: criteria provided, conflicting classifications (1 of 4 stars). 4 submissions from 4 submitters: Uncertain significance (2); Likely benign (2). Last evaluated 2025-12-04.

Conditions:
GANAB-related disorder. Also called: GANAB-related condition.
Polycystic kidney disease 3 with or without polycystic liver disease. Also called: POLYCYSTIC KIDNEY DISEASE, ADULT, TYPE III; Polycystic kidney disease 3; Polycystic Kidney and/or Polycystic Liver Disease 3. Identifiers: MedGen C3887964, MONDO:0010916, OMIM 600666.
Inborn genetic diseases. Identifiers: MedGen C0950123, MeSH D030342.

Allele frequency attached by ClinVar (database versions not stated): ExAC 0.00011; TOPMed 0.00011; gnomAD 0.00012 and 0.00013; gnomAD exomes 0.00012; ESP Exome Variant Server 0.00015; 1000 Genomes Project 0.00020; 1000 Genomes Project 30x 0.00031.
gnomAD v4.1: 337 of 1,614,006 alleles (0.021%); highest among the groups gnomAD compares: Non-Finnish European, 0.027%; no homozygotes.

Submissions (4):

PreventionGenetics, part of Exact Sciences
Classification: Uncertain significance for GANAB-related condition. Last evaluated: 2025-12-04. Review status: criteria provided, single submitter. Criteria: ACMG Guidelines, 2015. Collection method: clinical testing. Allele origin: germline.
Comment: The GANAB c.986C>G variant is predicted to result in the amino acid substitution p.Pro329Arg. To our knowledge, this variant has not been reported in the literature. This variant is reported in 0.023% of alleles in individuals of European (Non-Finnish) descent in gnomAD. Although we suspect that this variant may be benign, at this time, the clinical significance of this variant is uncertain due to the absence of conclusive functional and genetic evidence.

Ambry Genetics
Classification: Uncertain significance for Inborn genetic diseases. Last evaluated: 2022-11-10. Review status: criteria provided, single submitter. Criteria: Ambry Variant Classification Scheme 2023. Collection method: clinical testing. Allele origin: germline.

Labcorp Genetics (formerly Invitae), Labcorp
Classification: Likely benign. Last evaluated: 2022-11-01. Review status: criteria provided, single submitter. Criteria: Invitae Variant Classification Sherloc (09022015). Collection method: clinical testing. Allele origin: germline.

Fulgent Genetics
Classification: Likely benign for Polycystic kidney disease 3 with or without polycystic liver disease. Last evaluated: 2021-12-20. Review status: criteria provided, single submitter. Criteria: ACMG Guidelines, 2015. Collection method: clinical testing. Allele origin: unknown.

NM_198334.3(GANAB):c.920C>G (p.Pro307Arg)

Gene: GANAB (glucosidase II alpha subunit; minus strand). Cytogenetic location: 11q12.3.
Variant type: single nucleotide variant.
Coding change: c.920C>G on transcript NM_198334.3 (MANE Select); coding-DNA position 920, C replaced by G.
Protein change: p.Pro307Arg; replaces proline 307 with arginine.
Molecular consequence: missense variant.
Genome position (GRCh38, 1-based): chr11:62,632,641, G>C on the plus strand (C>G on the coding strand, the complement: GANAB is on the minus strand). VCF-style: chr11-62632641-G-C. GRCh37 (hg19) VCF-style: chr11-62400113-G-C.
Other names: c.644C>G, p.Pro215Arg (NM_001278192.2); c.578C>G, p.Pro193Arg (NM_001278193.2); c.629C>G, p.Pro210Arg (NM_001278194.2, NM_001329222.2, NM_001329223.2); c.197C>G, p.Pro66Arg (NM_001329224.2, NM_001329225.2); c.986C>G, p.Pro329Arg (NM_198335.4); c.986C>G (NM_198335.3, NM_198335.2); short protein forms P193R, P210R, P215R, P307R, P329R, P66R.
Identifiers: ClinVar variation 1671919 (VCV001671919.14), dbSNP rs201801499, ClinGen allele CA6050912.